The following is an entry in ClinVar:

ClinVar aggregate classification (germline): Uncertain significance (1 of 4 stars; one submission).

Submission:

GeneDx
Classification: Uncertain significance. Last evaluated: 2022-03-30. Review status: criteria provided, single submitter. Criteria: GeneDx Variant Classification Process June 2021. Collection method: clinical testing. Allele origin: germline. Affected: yes.
Comment: Not observed at significant frequency in large population cohorts (gnomAD); In silico analysis supports that this missense variant does not alter protein structure/function; Has not been previously published as pathogenic or benign to our knowledge

NM_021224.6(ZNF462):c.388G>C (p.Val130Leu)

Gene: ZNF462 (zinc finger protein 462; plus strand). Cytogenetic location: 9q31.2.
Variant type: single nucleotide variant.
Coding change: c.388G>C on transcript NM_021224.6 (MANE Select); coding-DNA position 388, G replaced by C.
Protein change: p.Val130Leu; replaces valine 130 with leucine.
Molecular consequence: missense variant.
Genome position (GRCh38, 1-based): chr9:106,924,300, G>C. VCF-style: chr9-106924300-G-C. GRCh37 (hg19) VCF-style: chr9-109686581-G-C.
Other names: c.388G>C, p.Val130Leu (NM_001347997.2); short protein forms V130L.
Identifiers: ClinVar variation 1707789 (VCV001707789.2), dbSNP rs2538713678, ClinGen allele CA374382096.
Genomic context (GRCh38, chr9:106,924,300, plus strand): 5'-TGCAAGTTCTGTGTACGCTACTTCAGGTCAAAAAACCTCCTCATAGAACACACTAGAAAG[G>C]TCCATGGAGCTCAAGCTGAAGGGAGTTCATCAGGACCCCCTGTCCCGGGATCCTTAAATT-3'
Protein context (NP_067047.4, residues 120-140): KNLLIEHTRK[Val130Leu]HGAQAEGSSS